The following is an entry in ClinVar:

NM_006904.7(PRKDC):c.1258G>A (p.Val420Ile)

Gene: PRKDC (protein kinase, DNA-activated, catalytic subunit; minus strand). Cytogenetic location: 8q11.21.
Variant type: single nucleotide variant.
Coding change: c.1258G>A on transcript NM_006904.7 (MANE Select); coding-DNA position 1258, G replaced by A.
Protein change: p.Val420Ile; replaces valine 420 with isoleucine.
Molecular consequence: missense variant.
Genome position (GRCh38, 1-based): chr8:47,936,373, C>T on the plus strand (G>A on the coding strand, the complement: PRKDC is on the minus strand). VCF-style: chr8-47936373-C-T. GRCh37 (hg19) VCF-style: chr8-48848933-C-T.
Other names: c.1258G>A, p.Val420Ile (NM_001081640.2); short protein forms V420I.
Identifiers: ClinVar variation 837309 (VCV000837309.8), dbSNP rs55925466, ClinGen allele CA4741782.

ClinVar aggregate classification (germline): Uncertain significance. Review status: criteria provided, multiple submitters, no conflicts (2 of 4 stars). 2 submissions from 2 submitters: Uncertain significance (2). Last evaluated 2025-10-27.

Conditions:
Severe combined immunodeficiency due to DNA-PKcs deficiency. Also called: IMMUNODEFICIENCY 26 WITH NEUROLOGIC ABNORMALITIES; Immunodeficiency 26 with or without neurologic abnormalities. Identifiers: Orphanet 317425, MedGen C4014833, MONDO:0014423, OMIM 615966.

Allele frequency attached by ClinVar (database versions not stated): gnomAD 0.00001; TOPMed 0.00001; gnomAD exomes 0.00002 and 0.00003; ExAC 0.00004.
gnomAD v4.1: 44 of 1,612,670 alleles (0.0027%); highest among the groups gnomAD compares: Non-Finnish European, 0.0035%; no homozygotes.

Submissions (2):

Labcorp Genetics (formerly Invitae), Labcorp
Classification: Uncertain significance for Severe combined immunodeficiency due to DNA-PKcs deficiency. Last evaluated: 2025-10-27. Review status: criteria provided, single submitter. Criteria: Invitae Variant Classification Sherloc (09022015). Collection method: clinical testing. Allele origin: germline.
Comment: This sequence change replaces valine with isoleucine at codon 420 of the PRKDC protein (p.Val420Ile). The valine residue is highly conserved and there is a small physicochemical difference between valine and isoleucine. This variant is present in population databases (rs55925466, gnomAD 0.01%). This variant has not been reported in the literature in individuals affected with PRKDC-related conditions. ClinVar contains an entry for this variant (Variation ID: 837309). Invitae Evidence Modeling of protein sequence and biophysical properties (such as structural, functional, and spatial information, amino acid conservation, physicochemical variation, residue mobility, and thermodynamic stability) indicates that this missense variant is not expected to disrupt PRKDC protein function with a negative predictive value of 80%. In summary, the available evidence is currently insufficient to determine the role of this variant in disease. Therefore, it has been classified as a Variant of Uncertain Significance.

Ambry Genetics
Classification: Uncertain significance. Last evaluated: 2023-06-06. Review status: criteria provided, single submitter. Criteria: Ambry Variant Classification Scheme 2023. Collection method: clinical testing. Allele origin: germline.